The following is an entry in ClinVar:

ClinVar aggregate classification (germline): Uncertain significance (1 of 4 stars; one submission).

Submission:

Labcorp Genetics (formerly Invitae), Labcorp
Classification: Uncertain significance. Last evaluated: 2021-07-14. Review status: criteria provided, single submitter. Criteria: Invitae Variant Classification Sherloc (09022015). Collection method: clinical testing. Allele origin: germline.
Comment: In summary, the available evidence is currently insufficient to determine the role of this variant in disease. Therefore, it has been classified as a Variant of Uncertain Significance. This sequence change replaces serine with arginine at codon 10 of the CARD8 protein (p.Ser10Arg). The serine residue is weakly conserved and there is a moderate physicochemical difference between serine and arginine. The frequency data for this variant in the population databases is considered unreliable, as metrics indicate insufficient coverage at this position in the ExAC database. This variant has not been reported in the literature in individuals affected with CARD8-related conditions. Algorithms developed to predict the effect of missense changes on protein structure and function are either unavailable or do not agree on the potential impact of this missense change (SIFT: "Deleterious"; PolyPhen-2: "Not Available"; Align-GVGD: "Class C0").

NM_001184900.3(CARD8):c.28A>C (p.Ser10Arg)

Gene: CARD8 (caspase recruitment domain family member 8; minus strand). Cytogenetic location: 19q13.33.
Variant type: single nucleotide variant.
Coding change: c.28A>C on transcript NM_001184900.3 (MANE Select); coding-DNA position 28, A replaced by C.
Protein change: p.Ser10Arg; replaces serine 10 with arginine.
Molecular consequence: missense variant. On other transcripts: 5 prime UTR variant (7), non-coding transcript variant (4).
Genome position (GRCh38, 1-based): chr19:48,240,993, T>G on the plus strand (A>C on the coding strand, the complement: CARD8 is on the minus strand). VCF-style: chr19-48240993-T-G. GRCh37 (hg19) VCF-style: chr19-48744250-T-G.
Other names: c.28A>C, p.Ser10Arg (NM_001184901.1, NM_001184902.2, NM_001184903.1 and 6 more transcripts); c.-97A>C (NM_001351784.2, NM_001351787.2, NM_001351791.2 and 2 more transcripts); c.-311A>C (NM_001351786.2); c.-175A>C (NM_001351790.2); short protein forms S10R.
Identifiers: ClinVar variation 1367619 (VCV001367619.8), dbSNP rs2044921320, ClinGen allele CA406648584.
Genomic context (GRCh38, chr19:48,240,993, plus strand): 5'-GAGCCCTCACAGAGCGCAAAGTCACTCACCGTCTCGGCAGCTCTTCCTCACTGCTGCTAC[T>G]CTTTTCTGGACACTCCTTTTTTTCCATTTGTCAAATGTGGTATTTATGTCTTTACTGTAT-3'
Protein context (NP_001171829.1, residues 1-20): MEKKECPEK[Ser10Arg]SSSEEELPRR